The following is an entry in ClinVar:

ClinVar aggregate classification (germline): Likely pathogenic (1 of 4 stars; one submission).

Conditions:
Dyskeratosis congenita. Identifiers: Orphanet 1775, MedGen C0265965, MONDO:0015780.

Submission:

Natera, Inc.
Classification: Likely pathogenic for Dyskeratosis congenita. Last evaluated: 2025-09-29. Review status: criteria provided, single submitter. Criteria: Natera Variant Classification Schema (03/2026). Collection method: clinical testing. Allele origin: germline.
Comment: The c.3142C>T variant in RTEL1 is a nonsense variant predicted to introduce a stop codon at amino acid 1048. This variant is expected to result in nonsense mediated decay, truncation, or a dysfunctional protein product. This variant is rare in the general population with a frequency below the threshold expected for the associated phenotype(s). Given the available evidence, this variant is classified as Likely Pathogenic.

NM_001283009.2(RTEL1):c.3070C>T (p.Gln1024Ter)

Genes: RTEL1 (regulator of telomere elongation helicase 1; plus strand), RTEL1-TNFRSF6B (RTEL1-TNFRSF6B readthrough (NMD candidate); plus strand). Cytogenetic location: 20q13.33.
Variant type: single nucleotide variant.
Coding change: c.3070C>T on transcript NM_001283009.2 (MANE Select); coding-DNA position 3070, C replaced by T.
Protein change: p.Gln1024Ter; replaces glutamine 1024 with a stop codon.
Molecular consequence: nonsense. On other transcripts: non-coding transcript variant (1).
Genome position (GRCh38, 1-based): chr20:63,694,449, C>T. VCF-style: chr20-63694449-C-T. GRCh37 (hg19) VCF-style: chr20-62325802-C-T.
Other names: c.2401C>T, p.Gln801Ter (NM_001283010.1); c.3070C>T, p.Gln1024Ter (NM_016434.4); c.3142C>T, p.Gln1048Ter (NM_032957.5); short protein forms Q1024*, Q1048*, Q801*.
Identifiers: ClinVar variation 4816352 (VCV004816352.1).